The following is an entry in ClinVar:

ClinVar aggregate classification (germline): Likely pathogenic (1 of 4 stars; one submission).

Conditions:
Ullrich congenital muscular dystrophy 2 (UCMD2). Identifiers: Orphanet 75840, MedGen C4225314, MONDO:0014654, OMIM 616470.
Bethlem myopathy 2 (BTHLM2). Identifiers: Orphanet 536516, Orphanet 610, MedGen C4225313, MONDO:0034022, OMIM 616471.

Submission:

Labcorp Genetics (formerly Invitae), Labcorp
Classification: Likely pathogenic for Bethlem myopathy 2; Ullrich congenital muscular dystrophy 2. Last evaluated: 2025-05-22. Review status: criteria provided, single submitter. Criteria: Invitae Variant Classification Sherloc (09022015). Collection method: clinical testing. Allele origin: germline.
Comment: This sequence change affects an acceptor splice site in intron 59 of the COL12A1 gene. It is expected to disrupt RNA splicing. Variants that disrupt the donor or acceptor splice site typically lead to a loss of protein function (PMID: 16199547), and loss-of-function variants in COL12A1 are known to be pathogenic (PMID: 24334604, 28973083). This variant is not present in population databases (gnomAD no frequency). This variant has not been reported in the literature in individuals affected with COL12A1-related conditions. ClinVar contains an entry for this variant (Variation ID: 3760153). Algorithms developed to predict the effect of sequence changes on RNA splicing suggest that this variant may disrupt the consensus splice site. In summary, the currently available evidence indicates that the variant is pathogenic, but additional data are needed to prove that conclusively. Therefore, this variant has been classified as Likely Pathogenic.

Literature cited by the submitters: PubMed 16199547; PubMed 24334604; PubMed 28973083.

NM_004370.6(COL12A1):c.8578-2A>T

Gene: COL12A1 (collagen type XII alpha 1 chain; minus strand). Cytogenetic location: 6q13.
Variant type: single nucleotide variant.
Coding change: c.8578-2A>T on transcript NM_004370.6 (MANE Select); the canonical splice acceptor site of the intron before coding-DNA position 8578, A replaced by T.
Molecular consequence: splice acceptor variant.
Genome position (GRCh38, 1-based): chr6:75,095,181, T>A on the plus strand (A>T on the coding strand, the complement: COL12A1 is on the minus strand). VCF-style: chr6-75095181-T-A. GRCh37 (hg19) VCF-style: chr6-75804897-T-A.
Other names: c.5086-2A>T (NM_001424116.1, NM_080645.3); c.8305-2A>T (NM_001424115.1); c.8557-2A>T (NM_001424114.1); c.8578-2A>T (NM_001424113.1).
Identifiers: ClinVar variation 3760153 (VCV003760153.2).
Genomic context (GRCh38, chr6:75,095,181, plus strand): 5'-TCTCCAGGTTTTCCTGGCTTCCCACTTGGTCCTGTGACTCCTGGGGAGCCTGGGCTTCCC[T>A]ACAACACATGGAAAGGGAAGGGGACTGTTATGACAAAGGGAAAATCCCATCTAAAGTAAA-3'